The following is an entry in ClinVar:

NM_025074.7(FRAS1):c.8972C>T (p.Thr2991Met)

Gene: FRAS1 (Fraser extracellular matrix complex subunit 1; plus strand). Cytogenetic location: 4q21.21.
Variant type: single nucleotide variant.
Coding change: c.8972C>T on transcript NM_025074.7 (MANE Select); coding-DNA position 8972, C replaced by T.
Protein change: p.Thr2991Met; replaces threonine 2991 with methionine.
Molecular consequence: missense variant.
Genome position (GRCh38, 1-based): chr4:78,496,818, C>T. VCF-style: chr4-78496818-C-T. GRCh37 (hg19) VCF-style: chr4-79417972-C-T.
Other names: c.8972C>T (NM_025074.6); short protein forms T2991M.
Identifiers: ClinVar variation 2177961 (VCV002177961.4), dbSNP rs376261766, ClinGen allele CA2978547.

ClinVar aggregate classification (germline): Uncertain significance. Review status: criteria provided, multiple submitters, no conflicts (2 of 4 stars). 3 submissions from 3 submitters: Uncertain significance (3). Last evaluated 2025-06-06.

Conditions:
Fraser syndrome 1 (FRASRS1). Also called: CRYPTOPHTHALMOS WITH OTHER MALFORMATIONS. Identifiers: Orphanet 2052, MedGen C4551480, MONDO:0054737, OMIM 219000.
Inborn genetic diseases. Identifiers: MedGen C0950123, MeSH D030342.

Allele frequency attached by ClinVar (database versions not stated): ExAC 0.00002; gnomAD 0.00007; ESP Exome Variant Server 0.00008; gnomAD exomes 0.00011; TOPMed 0.00011.
gnomAD v4.1: 172 of 1,613,122 alleles (0.011%); highest among the groups gnomAD compares: Non-Finnish European, 0.013%; no homozygotes.

Submissions (3):

Ambry Genetics
Classification: Uncertain significance for Inborn genetic diseases. Last evaluated: 2025-06-06. Review status: criteria provided, single submitter. Criteria: Ambry Variant Classification Scheme 2023. Collection method: clinical testing. Allele origin: germline.

Fulgent Genetics
Classification: Uncertain significance for Fraser syndrome 1. Last evaluated: 2024-01-18. Review status: criteria provided, single submitter. Criteria: ACMG Guidelines, 2015. Collection method: clinical testing. Allele origin: germline.

Labcorp Genetics (formerly Invitae), Labcorp
Classification: Uncertain significance. Last evaluated: 2022-07-09. Review status: criteria provided, single submitter. Criteria: Invitae Variant Classification Sherloc (09022015). Collection method: clinical testing. Allele origin: germline.
Comment: This sequence change replaces threonine, which is neutral and polar, with methionine, which is neutral and non-polar, at codon 2991 of the FRAS1 protein (p.Thr2991Met). This variant is present in population databases (rs376261766, gnomAD 0.006%). This variant has not been reported in the literature in individuals affected with FRAS1-related conditions. Algorithms developed to predict the effect of missense changes on protein structure and function are either unavailable or do not agree on the potential impact of this missense change (SIFT: "Deleterious"; PolyPhen-2: "Probably Damaging"; Align-GVGD: "Class C15"). In summary, the available evidence is currently insufficient to determine the role of this variant in disease. Therefore, it has been classified as a Variant of Uncertain Significance.